The following is an entry in ClinVar:

ClinVar aggregate classification (germline): Uncertain significance (1 of 4 stars; one submission).

Conditions:
Dilated cardiomyopathy 1O (CMD1O). Also called: CARDIOMYOPATHY, DILATED, WITH VENTRICULAR TACHYCARDIA. Identifiers: Orphanet 154, MedGen C1837839, MONDO:0012062, OMIM 608569.

Submission:

Labcorp Genetics (formerly Invitae), Labcorp
Classification: Uncertain significance for Dilated cardiomyopathy 1O. Last evaluated: 2025-01-22. Review status: criteria provided, single submitter. Criteria: Invitae Variant Classification Sherloc (09022015). Collection method: clinical testing. Allele origin: germline.
Comment: This sequence change replaces proline, which is neutral and non-polar, with glutamine, which is neutral and polar, at codon 696 of the ABCC9 protein (p.Pro696Gln). This variant is not present in population databases (gnomAD no frequency). This variant has not been reported in the literature in individuals affected with ABCC9-related conditions. Invitae Evidence Modeling of protein sequence and biophysical properties (such as structural, functional, and spatial information, amino acid conservation, physicochemical variation, residue mobility, and thermodynamic stability) indicates that this missense variant is expected to disrupt ABCC9 protein function with a positive predictive value of 80%. In summary, the available evidence is currently insufficient to determine the role of this variant in disease. Therefore, it has been classified as a Variant of Uncertain Significance.

NM_020297.4(ABCC9):c.2087C>A (p.Pro696Gln)

Gene: ABCC9 (ATP binding cassette subfamily C member 9; minus strand). Cytogenetic location: 12p12.1.
Variant type: single nucleotide variant.
Coding change: c.2087C>A on transcript NM_020297.4 (MANE Select); coding-DNA position 2087, C replaced by A.
Protein change: p.Pro696Gln; replaces proline 696 with glutamine.
Molecular consequence: missense variant.
Genome position (GRCh38, 1-based): chr12:21,875,659, G>T on the plus strand (C>A on the coding strand, the complement: ABCC9 is on the minus strand). VCF-style: chr12-21875659-G-T. GRCh37 (hg19) VCF-style: chr12-22028593-G-T.
Other names: c.2087C>A, p.Pro696Gln (NM_001377273.1, NM_005691.4); c.1223C>A, p.Pro408Gln (NM_001377274.1); short protein forms P696Q, P408Q.
Identifiers: ClinVar variation 3718619 (VCV003718619.2).
Genomic context (GRCh38, chr12:21,875,659, plus strand): 5'-AAACTATGGTTACGGTCATGAACAATTACAAAAATGCATAACAGATAACTCTTACCTGTT[G>T]GAATTCGAATATCTATATTGGATAATGTAGCTAAACCACTGCCCCATGAAAAGTATCCAT-3'
Protein context (NP_064693.2, residues 686-706): ATLSNIDIRI[Pro696Gln]TGQLTMIVGQ